The following is an entry in ClinVar:

ClinVar aggregate classification (germline): Uncertain significance (1 of 4 stars; one submission).

Allele frequency attached by ClinVar (database versions not stated): gnomAD exomes below 0.00001.
gnomAD v4.1: 1 of 1,614,246 alleles (0.000062%); highest among the groups gnomAD compares: Non-Finnish European, 0.000085%; no homozygotes.

Submission:

Labcorp Genetics (formerly Invitae), Labcorp
Classification: Uncertain significance. Last evaluated: 2022-08-23. Review status: criteria provided, single submitter. Criteria: Invitae Variant Classification Sherloc (09022015). Collection method: clinical testing. Allele origin: germline.
Comment: This sequence change replaces valine, which is neutral and non-polar, with isoleucine, which is neutral and non-polar, at codon 138 of the NBAS protein (p.Val138Ile). This variant is not present in population databases (gnomAD no frequency). This variant has not been reported in the literature in individuals affected with NBAS-related conditions. Algorithms developed to predict the effect of missense changes on protein structure and function are either unavailable or do not agree on the potential impact of this missense change (SIFT: "Deleterious"; PolyPhen-2: "Benign"; Align-GVGD: "Class C25"). In summary, the available evidence is currently insufficient to determine the role of this variant in disease. Therefore, it has been classified as a Variant of Uncertain Significance.

NM_015909.4(NBAS):c.412G>A (p.Val138Ile)

Gene: NBAS (NBAS subunit of NRZ tethering complex; minus strand). Cytogenetic location: 2p24.3.
Variant type: single nucleotide variant.
Coding change: c.412G>A on transcript NM_015909.4 (MANE Select); coding-DNA position 412, G replaced by A.
Protein change: p.Val138Ile; replaces valine 138 with isoleucine.
Molecular consequence: missense variant. On other transcripts: non-coding transcript variant (1).
Genome position (GRCh38, 1-based): chr2:15,539,324, C>T on the plus strand (G>A on the coding strand, the complement: NBAS is on the minus strand). VCF-style: chr2-15539324-C-T. GRCh37 (hg19) VCF-style: chr2-15679448-C-T.
Other names: short protein forms V138I.
Identifiers: ClinVar variation 1909492 (VCV001909492.2), dbSNP rs1663683353, ClinGen allele CA345888288.